The following is an entry in ClinVar:

ClinVar aggregate classification (germline): Uncertain significance. Review status: criteria provided, multiple submitters, no conflicts (2 of 4 stars). 2 submissions from 2 submitters: Uncertain significance (2). Last evaluated 2026-05-28.

Conditions:
Familial thoracic aortic aneurysm and aortic dissection (TAAD). Also called: Thoracic aortic aneurysms and dissections. Identifiers: Orphanet 91387, MedGen C4707243, MONDO:0019625.
Ehlers-Danlos syndrome, classic type, 1 (EDSCL1). Also called: EHLERS-DANLOS SYNDROME, GRAVIS TYPE; EHLERS-DANLOS SYNDROME, SEVERE CLASSIC TYPE; Ehlers-Danlos syndrome, type 1; Ehlers-Danlos Syndrome, Classic Type, COL5A1-Related; EDS I. Identifiers: MedGen C0268335, MONDO:0019567, OMIM 130000.

Submissions (2):

Ambry Genetics
Classification: Uncertain significance for Familial thoracic aortic aneurysm and aortic dissection. Last evaluated: 2026-05-28. Review status: criteria provided, single submitter. Criteria: Ambry Variant Classification Scheme 2023. Collection method: clinical testing. Allele origin: germline.
Comment: The p.P319S variant (also known as c.955C>T), located in coding exon 7 of the COL5A1 gene, results from a C to T substitution at nucleotide position 955. The proline at codon 319 is replaced by serine, an amino acid with similar properties. This amino acid position is conserved. In addition, this alteration is predicted to be tolerated by in silico analysis. Based on the available evidence, the clinical significance of this variant remains unclear.

Labcorp Genetics (formerly Invitae), Labcorp
Classification: Uncertain significance for Ehlers-Danlos syndrome, classic type, 1. Last evaluated: 2025-11-26. Review status: criteria provided, single submitter. Criteria: Invitae Variant Classification Sherloc (09022015). Collection method: clinical testing. Allele origin: germline.
Comment: This sequence change replaces proline, which is neutral and non-polar, with serine, which is neutral and polar, at codon 319 of the COL5A1 protein (p.Pro319Ser). This variant is not present in population databases (gnomAD no frequency). This variant has not been reported in the literature in individuals affected with COL5A1-related conditions. Invitae Evidence Modeling of protein sequence and biophysical properties (such as structural, functional, and spatial information, amino acid conservation, physicochemical variation, residue mobility, and thermodynamic stability) indicates that this missense variant is not expected to disrupt COL5A1 protein function with a negative predictive value of 95%. In summary, the available evidence is currently insufficient to determine the role of this variant in disease. Therefore, it has been classified as a Variant of Uncertain Significance.

NM_000093.5(COL5A1):c.955C>T (p.Pro319Ser)

Gene: COL5A1 (collagen type V alpha 1 chain; plus strand). Cytogenetic location: 9q34.3.
Variant type: single nucleotide variant.
Coding change: c.955C>T on transcript NM_000093.5 (MANE Select); coding-DNA position 955, C replaced by T.
Protein change: p.Pro319Ser; replaces proline 319 with serine.
Molecular consequence: missense variant.
Genome position (GRCh38, 1-based): chr9:134,730,266, C>T. VCF-style: chr9-134730266-C-T. GRCh37 (hg19) VCF-style: chr9-137622112-C-T.
Other names: c.955C>T, p.Pro319Ser (NM_001278074.1); c.955C>T (NM_000093.3); short protein forms P319S.
Identifiers: ClinVar variation 4749664 (VCV004749664.2).